The following is an entry in ClinVar:

ClinVar aggregate classification (germline): Uncertain significance (1 of 4 stars; one submission).

Conditions:
Spastic paraplegia. Identifiers: MedGen C0037772, HP:0001258.

gnomAD v4.1: 1 of 1,614,182 alleles (0.000062%); highest among the groups gnomAD compares: Non-Finnish European, 0.000085%; no homozygotes.

Submission:

Labcorp Genetics (formerly Invitae), Labcorp
Classification: Uncertain significance for Spastic paraplegia. Last evaluated: 2023-03-25. Review status: criteria provided, single submitter. Criteria: Invitae Variant Classification Sherloc (09022015). Collection method: clinical testing. Allele origin: germline.
Comment: This sequence change replaces valine, which is neutral and non-polar, with leucine, which is neutral and non-polar, at codon 484 of the KIF5A protein (p.Val484Leu). This variant is not present in population databases (gnomAD no frequency). This variant has not been reported in the literature in individuals affected with KIF5A-related conditions. Advanced modeling of protein sequence and biophysical properties (such as structural, functional, and spatial information, amino acid conservation, physicochemical variation, residue mobility, and thermodynamic stability) has been performed at Invitae for this missense variant, however the output from this modeling did not meet the statistical confidence thresholds required to predict the impact of this variant on KIF5A protein function. In summary, the available evidence is currently insufficient to determine the role of this variant in disease. Therefore, it has been classified as a Variant of Uncertain Significance.

NM_004984.4(KIF5A):c.1450G>T (p.Val484Leu)

Gene: KIF5A (kinesin family member 5A; plus strand). Cytogenetic location: 12q13.3.
Variant type: single nucleotide variant.
Coding change: c.1450G>T on transcript NM_004984.4 (MANE Select); coding-DNA position 1450, G replaced by T.
Protein change: p.Val484Leu; replaces valine 484 with leucine.
Molecular consequence: missense variant.
Genome position (GRCh38, 1-based): chr12:57,572,148, G>T. VCF-style: chr12-57572148-G-T. GRCh37 (hg19) VCF-style: chr12-57965931-G-T.
Other names: c.1183G>T, p.Val395Leu (NM_001354705.2); short protein forms V395L, V484L.
Identifiers: ClinVar variation 2902382 (VCV002902382.3), dbSNP rs757571901, ClinGen allele CA385506512.